The following is an entry in ClinVar:

NM_024529.5(CDC73):c.320G>A (p.Ser107Asn)

Gene: CDC73 (cell division cycle 73; plus strand). Cytogenetic location: 1q31.2.
Variant type: single nucleotide variant.
Coding change: c.320G>A on transcript NM_024529.5 (MANE Select); coding-DNA position 320, G replaced by A.
Protein change: p.Ser107Asn; replaces serine 107 with asparagine.
Molecular consequence: missense variant.
Genome position (GRCh38, 1-based): chr1:193,135,403, G>A. VCF-style: chr1-193135403-G-A. GRCh37 (hg19) VCF-style: chr1-193104533-G-A.
Other names: short protein forms S107N.
Identifiers: ClinVar variation 648869 (VCV000648869.12), dbSNP rs1572150421, ClinGen allele CA343960321.
Genomic context (GRCh38, chr1:193,135,403, plus strand): 5'-ATATATGTTGAAATAGTAATCCTTACGTGAATCTTTTTATGTCTTCAGCAACATCGGCAA[G>A]TATAGACAGAAGCGCTCCCTTAGAAATAGGTCTTCAGCGATCTACTCAAGGTATGTCTTG-3'
Protein context (NP_078805.3, residues 97-117): YLNGEASTSA[Ser107Asn]IDRSAPLEIG

ClinVar aggregate classification (germline): Uncertain significance. Review status: criteria provided, multiple submitters, no conflicts (2 of 4 stars). 3 submissions from 3 submitters: Uncertain significance (3). Last evaluated 2024-03-20.

Conditions:
Hereditary cancer-predisposing syndrome. Also called: Hereditary Cancer Syndrome; Tumor predisposition; Neoplastic Syndromes, Hereditary; Hereditary neoplastic syndrome. Identifiers: Orphanet 140162, MedGen C0027672, MeSH D009386, MONDO:0015356.
Parathyroid carcinoma (PRTC). Also called: CDC73-Related Parathyroid Carcinoma; Parathyroid gland carcinoma. Identifiers: Orphanet 143, MedGen C0687150, MONDO:0012004, OMIM 608266, HP:0006780.
Hyperparathyroidism 1 (HRPT1). Also called: HYPERPARATHYROIDISM, FAMILIAL ISOLATED PRIMARY. Identifiers: Orphanet 99879, MedGen C1840402, MONDO:0007767, OMIM 145000.
Hyperparathyroidism 2 with jaw tumors. Also called: Hyperparathyroidism 2; HYPERPARATHYROIDISM, FAMILIAL PRIMARY, WITH MULTIPLE OSSIFYING JAW FIBROMAS; HYPERPARATHYROIDISM-JAW TUMOR SYNDROME, HEREDITARY; Hyperparathyroidism-Jaw Tumor Syndrome. Identifiers: Orphanet 99880, MedGen C1704981, MONDO:0007768, OMIM 145001.

Allele frequency attached by ClinVar (database versions not stated): gnomAD exomes below 0.00001.
gnomAD v4.1: 2 of 1,613,306 alleles (0.00012%); highest among the groups gnomAD compares: Non-Finnish European, 0.000085%; no homozygotes.

Submissions (3):

Labcorp Genetics (formerly Invitae), Labcorp
Classification: Uncertain significance for Parathyroid carcinoma. Last evaluated: 2024-03-20. Review status: criteria provided, single submitter. Criteria: Invitae Variant Classification Sherloc (09022015). Collection method: clinical testing. Allele origin: germline.
Comment: This sequence change replaces serine, which is neutral and polar, with asparagine, which is neutral and polar, at codon 107 of the CDC73 protein (p.Ser107Asn). This variant is not present in population databases (gnomAD no frequency). This variant has not been reported in the literature in individuals affected with CDC73-related conditions. ClinVar contains an entry for this variant (Variation ID: 648869). Advanced modeling of protein sequence and biophysical properties (such as structural, functional, and spatial information, amino acid conservation, physicochemical variation, residue mobility, and thermodynamic stability) performed at Invitae indicates that this missense variant is not expected to disrupt CDC73 protein function with a negative predictive value of 80%. In summary, the available evidence is currently insufficient to determine the role of this variant in disease. Therefore, it has been classified as a Variant of Uncertain Significance.

Fulgent Genetics
Classification: Uncertain significance for Hyperparathyroidism 1; Hyperparathyroidism 2 with jaw tumors; Parathyroid carcinoma. Last evaluated: 2022-03-15. Review status: criteria provided, single submitter. Criteria: ACMG Guidelines, 2015. Collection method: clinical testing. Allele origin: unknown.

Ambry Genetics
Classification: Uncertain significance for Hereditary cancer-predisposing syndrome. Last evaluated: 2021-06-24. Review status: criteria provided, single submitter. Criteria: Ambry Variant Classification Scheme 2023. Collection method: clinical testing. Allele origin: germline.
Comment: The p.S107N variant (also known as c.320G>A), located in coding exon 4 of the CDC73 gene, results from a G to A substitution at nucleotide position 320. The serine at codon 107 is replaced by asparagine, an amino acid with highly similar properties. This amino acid position is highly conserved in available vertebrate species. In addition, this alteration is predicted to be tolerated by in silico analysis. Since supporting evidence is limited at this time, the clinical significance of this alteration remains unclear.